The following is an entry in ClinVar:

ClinVar aggregate classification (germline): Uncertain significance (1 of 4 stars; one submission).

Conditions:
Intellectual developmental disorder, X-linked, syndromic, Turner type. Also called: X-linked intellectual disability, Turner type; Intellectual disability, X-linked syndromic, Turner type. Identifiers: Orphanet 3056, Orphanet 85328, MedGen C2678046, MONDO:0010407, OMIM 309590.

Submission:

Institute of Human Genetics, University of Leipzig Medical Center
Classification: Uncertain significance for Intellectual developmental disorder, X-linked, syndromic, Turner type. Last evaluated: 2025-11-12. Review status: criteria provided, single submitter. Criteria: ACMG Guidelines, 2015. Collection method: clinical testing. Allele origin: unknown. Inheritance: Autosomal dominant inheritance. Affected: yes.
Comment: Criteria applied: PM1,PM2,PP2

NM_031407.7(HUWE1):c.12487A>G (p.Asn4163Asp)

Gene: HUWE1 (HECT, UBA and WWE domain containing E3 ubiquitin protein ligase 1; minus strand). Cytogenetic location: Xp11.22.
Variant type: single nucleotide variant.
Coding change: c.12487A>G on transcript NM_031407.7 (MANE Select); coding-DNA position 12487, A replaced by G.
Protein change: p.Asn4163Asp; replaces asparagine 4163 with aspartic acid.
Molecular consequence: missense variant.
Genome position (GRCh38, 1-based): chrX:53,536,191, T>C on the plus strand (A>G on the coding strand, the complement: HUWE1 is on the minus strand). VCF-style: chrX-53536191-T-C. GRCh37 (hg19) VCF-style: chrX-53563152-T-C.
Other names: c.12439A>G, p.Asn4147Asp (NM_001441048.1, NM_001441053.1, NM_001441058.1); c.12442A>G, p.Asn4148Asp (NM_001441049.1, NM_001441054.1); c.12463A>G, p.Asn4155Asp (NM_001441050.1, NM_001441055.1); c.12484A>G, p.Asn4162Asp (NM_001441051.1, NM_001441056.1); c.12085A>G, p.Asn4029Asp (NM_001441052.1); c.12487A>G, p.Asn4163Asp (NM_001441057.1); short protein forms N4029D, N4147D, N4148D, N4155D, N4162D, N4163D.
Identifiers: ClinVar variation 4533303 (VCV004533303.1).